The following is an entry in ClinVar:

ClinVar aggregate classification (germline): Uncertain significance (1 of 4 stars; one submission).

Submission:

GeneDx
Classification: Uncertain significance. Last evaluated: 2024-06-18. Review status: criteria provided, single submitter. Criteria: GeneDx Variant Classification Process June 2021. Collection method: clinical testing. Allele origin: germline. Affected: yes.
Comment: Not observed at significant frequency in large population cohorts (gnomAD); In silico analysis indicates that this missense variant does not alter protein structure/function; Has not been previously published as pathogenic or benign to our knowledge

NM_006734.4(HIVEP2):c.488G>A (p.Ser163Asn)

Gene: HIVEP2 (HIVEP zinc finger 2; minus strand). Cytogenetic location: 6q24.2.
Variant type: single nucleotide variant.
Coding change: c.488G>A on transcript NM_006734.4 (MANE Select); coding-DNA position 488, G replaced by A.
Protein change: p.Ser163Asn; replaces serine 163 with asparagine.
Molecular consequence: missense variant.
Genome position (GRCh38, 1-based): chr6:142,774,251, C>T on the plus strand (G>A on the coding strand, the complement: HIVEP2 is on the minus strand). VCF-style: chr6-142774251-C-T. GRCh37 (hg19) VCF-style: chr6-143095388-C-T.
Other names: short protein forms S163N.
Identifiers: ClinVar variation 3391608 (VCV003391608.1).